The following is an entry in ClinVar:

ClinVar aggregate classification (germline): Likely pathogenic (0 of 4 stars; one submission).

Conditions:
Autosomal recessive limb-girdle muscular dystrophy type 2J (LGMDR10). Also called: Limb-girdle muscular dystrophy, type 2J; MUSCULAR DYSTROPHY, LIMB-GIRDLE, AUTOSOMAL RECESSIVE 10. Identifiers: Orphanet 140922, MedGen C1837342, MONDO:0012127, OMIM 608807.

Submission:

Solve-RD Consortium
Classification: Likely pathogenic for Autosomal recessive limb-girdle muscular dystrophy type 2J. Last evaluated: 2024-06-01. Review status: no assertion criteria provided. Collection method: provider interpretation. Allele origin: germline. Affected: yes.
Comment: This CNV was confirmed by the submitting clinician to impact a gene that corresponds with the phenotype of the affected individual, and thus deemed to be causative for their condition.

Literature cited by the submitters: PubMed 39825153.

GRCh37/hg19 2q31.2(chr2:179448320-179462531)x1

Gene: TTN (titin; minus strand). Cytogenetic location: 2q31.2.
Variant type: copy number loss.
Change: copy number 1 (one copy instead of two) of chr2:179,448,320-179,462,531 (14.2 kb, GRCh37 coordinates, 1-based), cytogenetic band 2q31.2.
Identifiers: ClinVar variation 3338440 (VCV003338440.1).